The following is an entry in ClinVar:

NM_001267550.2(TTN):c.102940G>T (p.Gly34314Cys)

Genes: TTN-AS1 (TTN antisense RNA 1; plus strand), TTN (titin; minus strand). Cytogenetic location: 2q31.2.
Variant type: single nucleotide variant.
Coding change: c.102940G>T on transcript NM_001267550.2 (MANE Select); coding-DNA position 102940, G replaced by T.
Protein change: p.Gly34314Cys; replaces glycine 34314 with cysteine.
Molecular consequence: missense variant.
Genome position (GRCh38, 1-based): chr2:178,533,675, C>A on the plus strand (G>T on the coding strand, the complement: TTN is on the minus strand). VCF-style: chr2-178533675-C-A. GRCh37 (hg19) VCF-style: chr2-179398402-C-A.
Other names: c.98017G>T, p.Gly32673Cys (NM_001256850.1); c.75745G>T, p.Gly25249Cys (NM_003319.4); c.95236G>T, p.Gly31746Cys (NM_133378.4); c.76120G>T, p.Gly25374Cys (NM_133432.3); c.76321G>T, p.Gly25441Cys (NM_133437.4); short protein forms G25374C, G25249C, G25441C, G34314C, G31746C, G32673C.
Identifiers: ClinVar variation 2007400 (VCV002007400.4), dbSNP rs772007737, ClinGen allele CA349415731.

ClinVar aggregate classification (germline): Uncertain significance (1 of 4 stars; one submission).

Conditions:
Dilated cardiomyopathy 1G (CMD1G). Identifiers: Orphanet 154, MedGen C1858763, MONDO:0011400, OMIM 604145.
Autosomal recessive limb-girdle muscular dystrophy type 2J (LGMDR10). Also called: Limb-girdle muscular dystrophy, type 2J; MUSCULAR DYSTROPHY, LIMB-GIRDLE, AUTOSOMAL RECESSIVE 10. Identifiers: Orphanet 140922, MedGen C1837342, MONDO:0012127, OMIM 608807.

Submission:

Labcorp Genetics (formerly Invitae), Labcorp
Classification: Uncertain significance for Dilated cardiomyopathy 1G; Autosomal recessive limb-girdle muscular dystrophy type 2J. Last evaluated: 2022-06-16. Review status: criteria provided, single submitter. Criteria: Invitae Variant Classification Sherloc (09022015). Collection method: clinical testing. Allele origin: germline.
Comment: In summary, the available evidence is currently insufficient to determine the role of this variant in disease. Therefore, it has been classified as a Variant of Uncertain Significance. This variant is located in the M band of TTN (PMID: 25589632). Variants in this region may be relevant for neuromuscular disorders, but have not been definitively shown to cause cardiomyopathy (PMID: 23975875). Experimental studies and prediction algorithms are not available or were not evaluated, and the functional significance of this variant is currently unknown. This variant has not been reported in the literature in individuals affected with TTN-related conditions. This variant is not present in population databases (gnomAD no frequency). This sequence change replaces glycine, which is neutral and non-polar, with cysteine, which is neutral and slightly polar, at codon 34314 of the TTN protein (p.Gly34314Cys).

Literature cited by the submitters: PubMed 25589632; PubMed 23975875.